The following is an entry in ClinVar:

NM_012123.4(MTO1):c.2035C>G (p.Gln679Glu)

Gene: MTO1 (mitochondrial tRNA translation optimization 1; plus strand). Cytogenetic location: 6q13.
Variant type: single nucleotide variant.
Coding change: c.2035C>G on transcript NM_012123.4 (MANE Select); coding-DNA position 2035, C replaced by G.
Protein change: p.Gln679Glu; replaces glutamine 679 with glutamic acid.
Molecular consequence: missense variant.
Genome position (GRCh38, 1-based): chr6:73,500,691, C>G. VCF-style: chr6-73500691-C-G. GRCh37 (hg19) VCF-style: chr6-74210414-C-G.
Other names: c.2155C>G, p.Gln719Glu (NM_001123226.2); c.2110C>G, p.Gln704Glu (NM_133645.3); short protein forms Q679E, Q704E, Q719E.
Identifiers: ClinVar variation 1511576 (VCV001511576.4), dbSNP rs927196297, ClinGen allele CA140932710.

ClinVar aggregate classification (germline): Uncertain significance (1 of 4 stars; one submission).

Conditions:
Mitochondrial hypertrophic cardiomyopathy with lactic acidosis due to MTO1 deficiency. Also called: Combined oxidative phosphorylation deficiency 10; CARDIOMYOPATHY, INFANTILE HYPERTROPHIC MITOCHONDRIAL, AND LACTIC ACIDOSIS. Identifiers: Orphanet 314637, MedGen C4749921, MONDO:0013865, OMIM 614702.

Allele frequency attached by ClinVar (database versions not stated): gnomAD exomes 0.00002.
gnomAD v4.1: 21 of 1,610,966 alleles (0.0013%); highest among the groups gnomAD compares: Non-Finnish European, 0.0018%; no homozygotes.

Submission:

Labcorp Genetics (formerly Invitae), Labcorp
Classification: Uncertain significance for Mitochondrial hypertrophic cardiomyopathy with lactic acidosis due to MTO1 deficiency. Last evaluated: 2021-10-14. Review status: criteria provided, single submitter. Criteria: Invitae Variant Classification Sherloc (09022015). Collection method: clinical testing. Allele origin: germline.
Comment: In summary, the available evidence is currently insufficient to determine the role of this variant in disease. Therefore, it has been classified as a Variant of Uncertain Significance. Algorithms developed to predict the effect of missense changes on protein structure and function output the following: SIFT: "Tolerated"; PolyPhen-2: "Benign"; Align-GVGD: "Class C0". The glutamic acid amino acid residue is found in multiple mammalian species, which suggests that this missense change does not adversely affect protein function. This variant has not been reported in the literature in individuals affected with MTO1-related conditions. This variant is not present in population databases (ExAC no frequency). This sequence change replaces glutamine with glutamic acid at codon 679 of the MTO1 protein (p.Gln679Glu). The glutamine residue is weakly conserved and there is a small physicochemical difference between glutamine and glutamic acid.